The following is an entry in ClinVar:

NM_002294.3(LAMP2):c.466T>G (p.Leu156Val)

Gene: LAMP2 (lysosome associated membrane protein 2; minus strand). Cytogenetic location: Xq24.
Variant type: single nucleotide variant.
Coding change: c.466T>G on transcript NM_002294.3 (MANE Select); coding-DNA position 466, T replaced by G.
Protein change: p.Leu156Val; replaces leucine 156 with valine.
Molecular consequence: missense variant.
Genome position (GRCh38, 1-based): chrX:120,449,060, A>C on the plus strand (T>G on the coding strand, the complement: LAMP2 is on the minus strand). VCF-style: chrX-120449060-A-C. GRCh37 (hg19) VCF-style: chrX-119582915-A-C.
Other names: c.466T>G, p.Leu156Val (NM_001122606.1, NM_013995.2); short protein forms L156V.
Identifiers: ClinVar variation 4742409 (VCV004742409.1).

ClinVar aggregate classification (germline): Uncertain significance (1 of 4 stars; one submission).

Conditions:
Danon disease. Also called: Glycogen Storage Disease Type IIb; ANTOPOL DISEASE; PSEUDOGLYCOGENOSIS II; GSD IIb; LYSOSOMAL GLYCOGEN STORAGE DISEASE WITHOUT ACID MALTASE DEFICIENCY. Identifiers: Orphanet 34587, MedGen C0878677, MONDO:0010281, OMIM 300257.

Submission:

Labcorp Genetics (formerly Invitae), Labcorp
Classification: Uncertain significance for Danon disease. Last evaluated: 2025-08-26. Review status: criteria provided, single submitter. Criteria: Invitae Variant Classification Sherloc (09022015). Collection method: clinical testing. Allele origin: germline.
Comment: This sequence change replaces leucine, which is neutral and non-polar, with valine, which is neutral and non-polar, at codon 156 of the LAMP2 protein (p.Leu156Val). This variant is not present in population databases (gnomAD no frequency). This variant has not been reported in the literature in individuals affected with LAMP2-related conditions. Invitae Evidence Modeling of protein sequence and biophysical properties (such as structural, functional, and spatial information, amino acid conservation, physicochemical variation, residue mobility, and thermodynamic stability) indicates that this missense variant is not expected to disrupt LAMP2 protein function with a negative predictive value of 80%. In summary, the available evidence is currently insufficient to determine the role of this variant in disease. Therefore, it has been classified as a Variant of Uncertain Significance.